The following is an entry in ClinVar:

ClinVar aggregate classification (germline): Benign/Likely benign. Review status: criteria provided, multiple submitters, no conflicts (2 of 4 stars). 9 submissions from 7 submitters: Benign (4); Likely benign (5). Last evaluated 2026-04-01.

Conditions:
Hereditary spherocytosis type 3. Also called: SPTA1-Related Spherocytosis; Spherocytosis type 3. Identifiers: Orphanet 822, MedGen C2678338, MONDO:0010053, OMIM 270970.
Pyropoikilocytosis, hereditary. Also called: Pyropoikilocytosis. Identifiers: MedGen C0520739, MONDO:0009948, OMIM 266140, HP:0004839. Disease mechanism: loss of function.
Elliptocytosis 2 (EL2). Also called: ELLIPTOCYTOSIS, RHESUS-UNLINKED TYPE. Identifiers: Orphanet 288, MedGen C1851741, MONDO:0007533, OMIM 130600.

Allele frequency attached by ClinVar (database versions not stated): gnomAD exomes 0.00092 and 0.00239; ExAC 0.00271; ESP Exome Variant Server 0.00854; gnomAD 0.00920 and 0.00972; TOPMed 0.01026; 1000 Genomes Project 0.01178; 1000 Genomes Project 30x 0.01312.
gnomAD v4.1: 2,798 of 1,613,950 alleles (0.17%); highest among the groups gnomAD compares: African/African-American, 3.2%; 40 homozygotes.

Submissions (9):

CeGaT Center for Human Genetics Tuebingen
Classification: Likely benign. Last evaluated: 2026-04-01. Review status: criteria provided, single submitter. Criteria: CeGaT Center For Human Genetics Tuebingen Variant Classification Criteria Version 2. Collection method: clinical testing. Allele origin: germline. Affected: yes. Observed: 4 variant alleles.
Comment: SPTA1: BP4

Labcorp Genetics (formerly Invitae), Labcorp
Classification: Benign. Last evaluated: 2026-01-20. Review status: criteria provided, single submitter. Criteria: Invitae Variant Classification Sherloc (09022015). Collection method: clinical testing. Allele origin: germline.

Mayo Clinic Laboratories, Mayo Clinic
Classification: Likely benign. Last evaluated: 2025-09-10. Review status: criteria provided, single submitter. Criteria: ACMG Guidelines, 2015. Collection method: clinical testing. Allele origin: germline. Observed: 36 variant alleles.
Comment: BS1

ARUP Laboratories, Molecular Genetics and Genomics, ARUP Laboratories
Classification: Benign. Last evaluated: 2025-07-24. Review status: criteria provided, single submitter. Criteria: ARUP Molecular Germline Variant Investigation Process 2024. Collection method: clinical testing. Allele origin: germline.

Illumina Laboratory Services, Illumina
Classification: Likely benign for Pyropoikilocytosis, hereditary. Last evaluated: 2018-01-12. Review status: criteria provided, single submitter. Criteria: ICSL Variant Classification Criteria 13 December 2019. Collection method: clinical testing. Allele origin: germline.
Comment: This variant was observed in the ICSL laboratory as part of a predisposition screen in an ostensibly healthy population. It had not been previously curated by ICSL or reported in the Human Gene Mutation Database (HGMD: prior to June 1st, 2018), and was therefore a candidate for classification through an automated scoring system. Utilizing variant allele frequency, disease prevalence and penetrance estimates, and inheritance mode, an automated score was calculated to assess if this variant is too frequent to cause the disease. Based on the score and internal cut-off values, a variant classified as likely benign is not then subjected to further curation. The score for this variant resulted in a classification of likely benign for this disease.

Illumina Laboratory Services, Illumina
Classification: Benign for Elliptocytosis 2. Last evaluated: 2018-01-12. Review status: criteria provided, single submitter. Criteria: ICSL Variant Classification Criteria 13 December 2019. Collection method: clinical testing. Allele origin: germline.
Comment: This variant was observed in the ICSL laboratory as part of a predisposition screen in an ostensibly healthy population. It had not been previously curated by ICSL or reported in the Human Gene Mutation Database (HGMD: prior to June 1st, 2018), and was therefore a candidate for classification through an automated scoring system. Utilizing variant allele frequency, disease prevalence and penetrance estimates, and inheritance mode, an automated score was calculated to assess if this variant is too frequent to cause the disease. Based on the score and internal cut-off values, a variant classified as benign is not then subjected to further curation. The score for this variant resulted in a classification of benign for this disease.

Illumina Laboratory Services, Illumina
Classification: Likely benign for Hereditary spherocytosis type 3. Last evaluated: 2018-01-12. Review status: criteria provided, single submitter. Criteria: ICSL Variant Classification Criteria 13 December 2019. Collection method: clinical testing. Allele origin: germline.
Comment: the same text as in the submission from Illumina Laboratory Services, Illumina above.

Breakthrough Genomics
Classification: Likely benign. Review status: criteria provided, single submitter. Criteria: ACMG Guidelines, 2015. Collection method: not provided. Allele origin: germline. Inheritance: Autosomal recessive inheritance. Affected: yes.

PreventionGenetics, part of Exact Sciences
Classification: Benign. Review status: criteria provided, single submitter. Criteria: ACMG Guidelines, 2015. Collection method: clinical testing. Allele origin: germline.

Literature cited by the submitters: PubMed 37558589 (cited by Mayo Clinic Laboratories, Mayo Clinic).

NM_003126.4(SPTA1):c.3989G>T (p.Arg1330Ile)

Gene: SPTA1 (spectrin alpha, erythrocytic 1; minus strand). Cytogenetic location: 1q23.1.
Variant type: single nucleotide variant.
Coding change: c.3989G>T on transcript NM_003126.4 (MANE Select); coding-DNA position 3989, G replaced by T.
Protein change: p.Arg1330Ile; replaces arginine 1330 with isoleucine.
Molecular consequence: missense variant.
Genome position (GRCh38, 1-based): chr1:158,645,502, C>A on the plus strand (G>T on the coding strand, the complement: SPTA1 is on the minus strand). VCF-style: chr1-158645502-C-A. GRCh37 (hg19) VCF-style: chr1-158615292-C-A.
Other names: short protein forms R1330I.
Identifiers: ClinVar variation 258934 (VCV000258934.38), dbSNP rs34214405, ClinGen allele CA1182870.